The following is an entry in ClinVar:

NM_001199799.2(ILDR1):c.483A>T (p.Val161=)

Gene: ILDR1 (immunoglobulin like domain containing receptor 1; minus strand). Cytogenetic location: 3q13.33.
Variant type: single nucleotide variant.
Coding change: c.483A>T on transcript NM_001199799.2 (MANE Select); coding-DNA position 483, A replaced by T.
Protein change: p.Val161=; no amino-acid change (valine 161 retained).
Molecular consequence: synonymous variant. On other transcripts: intron variant (1).
Genome position (GRCh38, 1-based): chr3:122,001,761, T>A on the plus strand (A>T on the coding strand, the complement: ILDR1 is on the minus strand). VCF-style: chr3-122001761-T-A. GRCh37 (hg19) VCF-style: chr3-121720608-T-A.
Other names: c.483A>T, p.Val161= (NM_175924.4); c.379+3483A>T (NM_001199800.2).
Identifiers: ClinVar variation 163700 (VCV000163700.6), dbSNP rs369002219, ClinGen allele CA176363.

ClinVar aggregate classification (germline): Likely benign. Review status: criteria provided, single submitter (1 of 4 stars). 2 submissions from 2 submitters: Likely benign (1). 1 of the submissions does not count toward it. Last evaluated 2012-04-30.

Conditions:
ILDR1-related disorder. Also called: ILDR1-related condition.

Allele frequency attached by ClinVar (database versions not stated): gnomAD 0.00002; ESP Exome Variant Server 0.00008.
gnomAD v4.1: 40 of 1,613,424 alleles (0.0025%); highest among the groups gnomAD compares: Non-Finnish European, 0.0033%; 1 homozygote.

Submissions (2):

Laboratory for Molecular Medicine, Mass General Brigham Personalized Medicine
Classification: Likely benign. Last evaluated: 2012-04-30. Review status: criteria provided, single submitter. Criteria: LMM Criteria. Collection method: clinical testing. Allele origin: germline. Observed: 1 variant allele.
Comment: Val161Val in Exon 04 of ILDR1: This variant is not expected to have clinical sig nificance because it does not alter an amino acid residue, is not located within the splice consensus sequence, and has been identified in 1/7020 European Ameri can chromosomes from a broad population by the NHLBI Exome Sequencing Project.

PreventionGenetics, part of Exact Sciences
Classification: Likely benign for ILDR1-related condition. Last evaluated: 2019-08-26. Review status: no assertion criteria provided. Collection method: clinical testing. Allele origin: germline. Not counted in ClinVar's aggregate classification.
Comment: This variant is classified as likely benign based on ACMG/AMP sequence variant interpretation guidelines (Richards et al. 2015 PMID: 25741868, with internal and published modifications).